The following is an entry in ClinVar:

NM_198578.4(LRRK2):c.4285G>A (p.Asp1429Asn)

Gene: LRRK2 (leucine rich repeat kinase 2; plus strand). Cytogenetic location: 12q12.
Variant type: single nucleotide variant.
Coding change: c.4285G>A on transcript NM_198578.4 (MANE Select); coding-DNA position 4285, G replaced by A.
Protein change: p.Asp1429Asn; replaces aspartic acid 1429 with asparagine.
Molecular consequence: missense variant.
Genome position (GRCh38, 1-based): chr12:40,309,201, G>A. VCF-style: chr12-40309201-G-A. GRCh37 (hg19) VCF-style: chr12-40703003-G-A.
Other names: short protein forms D1429N.
Identifiers: ClinVar variation 3292024 (VCV003292024.1).

ClinVar aggregate classification (germline): Uncertain significance (1 of 4 stars; one submission).

Conditions:
Inborn genetic diseases. Identifiers: MedGen C0950123, MeSH D030342.

Submission:

Ambry Genetics
Classification: Uncertain significance for Inborn genetic diseases. Last evaluated: 2024-05-19. Review status: criteria provided, single submitter. Criteria: Ambry Variant Classification Scheme 2023. Collection method: clinical testing. Allele origin: germline.
Comment: The p.D1429N variant (also known as c.4285G>A), located in coding exon 30 of the LRRK2 gene, results from a G to A substitution at nucleotide position 4285. The aspartic acid at codon 1429 is replaced by asparagine, an amino acid with highly similar properties. This amino acid position is conserved. In addition, this alteration is predicted to be tolerated by in silico analysis. Based on the available evidence, the clinical significance of this variant remains unclear.